The following is an entry in ClinVar:

ClinVar aggregate classification (germline): Benign (1 of 4 stars; one submission).

Allele frequency attached by ClinVar (database versions not stated): 1000 Genomes Project 30x 0.20237; gnomAD 0.12517; TOPMed 0.12605; 1000 Genomes Project 0.20927.

Submission:

GeneDx
Classification: Benign. Last evaluated: 2018-06-19. Review status: criteria provided, single submitter. Criteria: GeneDx Variant Classification (06012015). Collection method: clinical testing. Allele origin: germline. Affected: yes.
Comment: This variant is considered likely benign or benign based on one or more of the following criteria: it is a conservative change, it occurs at a poorly conserved position in the protein, it is predicted to be benign by multiple in silico algorithms, and/or has population frequency not consistent with disease.

NM_001018005.1(TPM1):c.-394C>G

Gene: TPM1 (tropomyosin 1; plus strand). Cytogenetic location: 15q22.2.
Variant type: single nucleotide variant.
Coding change: c.-394C>G on transcript NM_001018005.1; 394 bases upstream of the start codon, C replaced by G.
Genome position (GRCh38, 1-based): chr15:63,042,436, C>G. VCF-style: chr15-63042436-C-G. GRCh37 (hg19) VCF-style: chr15-63334635-C-G.
Identifiers: ClinVar variation 668729 (VCV000668729.3), dbSNP rs3825973, ClinGen allele CA14103801.